The following is an entry in ClinVar:

NM_024741.3(ZNF408):c.68T>C (p.Leu23Pro)

Gene: ZNF408 (zinc finger protein 408; plus strand). Cytogenetic location: 11p11.2.
Variant type: single nucleotide variant.
Coding change: c.68T>C on transcript NM_024741.3 (MANE Select); coding-DNA position 68, T replaced by C.
Protein change: p.Leu23Pro; replaces leucine 23 with proline.
Molecular consequence: missense variant.
Genome position (GRCh38, 1-based): chr11:46,701,414, T>C. VCF-style: chr11-46701414-T-C. GRCh37 (hg19) VCF-style: chr11-46722964-T-C.
Other names: c.44T>C, p.Leu15Pro (NM_001184751.2); short protein forms L15P, L23P.
Identifiers: ClinVar variation 1462302 (VCV001462302.6), dbSNP rs1592397273, ClinGen allele CA380251449.

ClinVar aggregate classification (germline): Uncertain significance (1 of 4 stars; one submission).

Allele frequency attached by ClinVar (database versions not stated): TOPMed below 0.00001.

Submission:

Labcorp Genetics (formerly Invitae), Labcorp
Classification: Uncertain significance. Last evaluated: 2024-12-02. Review status: criteria provided, single submitter. Criteria: Invitae Variant Classification Sherloc (09022015). Collection method: clinical testing. Allele origin: germline.
Comment: This sequence change replaces leucine, which is neutral and non-polar, with proline, which is neutral and non-polar, at codon 23 of the ZNF408 protein (p.Leu23Pro). This variant is not present in population databases (gnomAD no frequency). This variant has not been reported in the literature in individuals affected with ZNF408-related conditions. ClinVar contains an entry for this variant (Variation ID: 1462302). An algorithm developed to predict the effect of missense changes on protein structure and function outputs the following: PolyPhen-2: "Benign". The proline amino acid residue is found in multiple mammalian species, which suggests that this missense change does not adversely affect protein function. In summary, the available evidence is currently insufficient to determine the role of this variant in disease. Therefore, it has been classified as a Variant of Uncertain Significance.